The following is an entry in ClinVar:

NM_023036.6(DNAI2):c.1179_1180insAGTTCTTCGGGTAGAAG (p.Asp394fs)

Gene: DNAI2 (dynein axonemal intermediate chain 2; plus strand). Cytogenetic location: 17q25.1.
Variant type: Insertion.
Coding change: c.1179_1180insAGTTCTTCGGGTAGAAG on transcript NM_023036.6 (MANE Select); coding-DNA positions 1179 to 1180, AGTTCTTCGGGTAGAAG inserted.
Protein change: p.Asp394fs; shifts the reading frame from aspartic acid 394.
Molecular consequence: frameshift variant. On other transcripts: non-coding transcript variant (1).
Genome position: GRCh38 VCF-style: chr17-74305410-A-AAGTTCTTCGGGTAGAAG. GRCh37 (hg19) VCF-style: chr17-72301549-A-AAGTTCTTCGGGTAGAAG.
Other names: c.1179_1180insAGTTCTTCGGGTAGAAG, p.Asp394fs (NM_001172810.3, NM_001353167.2); short protein forms D394fs.
Identifiers: ClinVar variation 5010724 (VCV005010724.1).

ClinVar aggregate classification (germline): Pathogenic (1 of 4 stars; one submission).

Conditions:
Primary ciliary dyskinesia 9. Also called: CILIARY DYSKINESIA, PRIMARY, 9, WITH OR WITHOUT SITUS INVERSUS. Identifiers: Orphanet 244, MedGen C2676235, MONDO:0012906, OMIM 612444.

Submission:

Myriad Genetics, Inc.
Classification: Pathogenic for Primary ciliary dyskinesia 9. Last evaluated: 2024-05-14. Review status: criteria provided, single submitter. Criteria: Myriad Autosomal Dominant, Autosomal Recessive and X-Linked Classification Criteria (2023). Collection method: clinical testing. Allele origin: unknown.
Comment: NM_023036.4(DNAI2):c.1179_1180ins17(D394Sfs*31) is expected to be pathogenic in the context of primary ciliary dyskinesia, DNAI2-related. This variant is predicted to lead to an abnormal or absent protein product due to the creation of a premature termination codon in DNAI2, a gene where loss-of-function variants are known to be pathogenic. Please note: this variant was assessed in the context of healthy population screening.